The following is an entry in ClinVar:

NM_002361.4(MAG):c.1562T>G (p.Val521Gly)

Gene: MAG (myelin associated glycoprotein; plus strand). Cytogenetic location: 19q13.12.
Variant type: single nucleotide variant.
Coding change: c.1562T>G on transcript NM_002361.4 (MANE Select); coding-DNA position 1562, T replaced by G.
Protein change: p.Val521Gly; replaces valine 521 with glycine.
Molecular consequence: missense variant.
Genome position (GRCh38, 1-based): chr19:35,310,589, T>G. VCF-style: chr19-35310589-T-G. GRCh37 (hg19) VCF-style: chr19-35801492-T-G.
Other names: c.1487T>G, p.Val496Gly (NM_001199216.2); c.1562T>G, p.Val521Gly (NM_080600.3); short protein forms V521G, V496G.
Identifiers: ClinVar variation 1489913 (VCV001489913.12), dbSNP rs200859403, ClinGen allele CA9376316.

ClinVar aggregate classification (germline): Uncertain significance. Review status: criteria provided, multiple submitters, no conflicts (2 of 4 stars). 2 submissions from 2 submitters: Uncertain significance (2). Last evaluated 2025-07-01.

Conditions:
Hereditary spastic paraplegia 75. Also called: Spastic paraplegia 75, autosomal recessive. Identifiers: Orphanet 459056, MedGen C4225250, MONDO:0014729, OMIM 616680.

Allele frequency attached by ClinVar (database versions not stated): ExAC 0.00008; gnomAD exomes 0.00010 and 0.00012; gnomAD 0.00011; TOPMed 0.00015.
gnomAD v4.1: 188 of 1,613,982 alleles (0.012%); highest among the groups gnomAD compares: Middle Eastern, 0.033%; 2 homozygotes.

Submissions (2):

CeGaT Center for Human Genetics Tuebingen
Classification: Uncertain significance. Last evaluated: 2025-07-01. Review status: criteria provided, single submitter. Criteria: CeGaT Center For Human Genetics Tuebingen Variant Classification Criteria Version 2. Collection method: clinical testing. Allele origin: germline. Affected: yes. Observed: 1 variant allele.
Comment: MAG: PM2

Labcorp Genetics (formerly Invitae), Labcorp
Classification: Uncertain significance for Hereditary spastic paraplegia 75. Last evaluated: 2022-10-24. Review status: criteria provided, single submitter. Criteria: Invitae Variant Classification Sherloc (09022015). Collection method: clinical testing. Allele origin: germline.
Comment: This sequence change replaces valine, which is neutral and non-polar, with glycine, which is neutral and non-polar, at codon 521 of the MAG protein (p.Val521Gly). This variant is present in population databases (rs200859403, gnomAD 0.02%). This variant has not been reported in the literature in individuals affected with MAG-related conditions. ClinVar contains an entry for this variant (Variation ID: 1489913). Advanced modeling of protein sequence and biophysical properties (such as structural, functional, and spatial information, amino acid conservation, physicochemical variation, residue mobility, and thermodynamic stability) performed at Invitae indicates that this missense variant is not expected to disrupt MAG protein function. In summary, the available evidence is currently insufficient to determine the role of this variant in disease. Therefore, it has been classified as a Variant of Uncertain Significance.